The following is an entry in ClinVar:

ClinVar aggregate classification (germline): Uncertain significance. Review status: criteria provided, multiple submitters, no conflicts (2 of 4 stars). 2 submissions from 2 submitters: Uncertain significance (2). Last evaluated 2023-09-20.

Allele frequency attached by ClinVar (database versions not stated): gnomAD exomes below 0.00001.
gnomAD v4.1: 3 of 1,613,794 alleles (0.00019%); highest among the groups gnomAD compares: Admixed American, 0.005%; no homozygotes.

Submissions (2):

Ambry Genetics
Classification: Uncertain significance. Last evaluated: 2023-09-20. Review status: criteria provided, single submitter. Criteria: Ambry Variant Classification Scheme 2023. Collection method: clinical testing. Allele origin: germline.

Labcorp Genetics (formerly Invitae), Labcorp
Classification: Uncertain significance. Last evaluated: 2022-05-15. Review status: criteria provided, single submitter. Criteria: Invitae Variant Classification Sherloc (09022015). Collection method: clinical testing. Allele origin: germline.
Comment: This sequence change replaces valine, which is neutral and non-polar, with isoleucine, which is neutral and non-polar, at codon 224 of the TMPRSS15 protein (p.Val224Ile). This variant is present in population databases (no rsID available, gnomAD 0.006%). This variant has not been reported in the literature in individuals affected with TMPRSS15-related conditions. Algorithms developed to predict the effect of missense changes on protein structure and function are either unavailable or do not agree on the potential impact of this missense change (SIFT: "Not Available"; PolyPhen-2: "Benign"; Align-GVGD: "Not Available"). In summary, the available evidence is currently insufficient to determine the role of this variant in disease. Therefore, it has been classified as a Variant of Uncertain Significance.

NM_002772.3(TMPRSS15):c.670G>A (p.Val224Ile)

Gene: TMPRSS15 (transmembrane serine protease 15; minus strand). Cytogenetic location: 21q21.1.
Variant type: single nucleotide variant.
Coding change: c.670G>A on transcript NM_002772.3 (MANE Select); coding-DNA position 670, G replaced by A.
Protein change: p.Val224Ile; replaces valine 224 with isoleucine.
Molecular consequence: missense variant.
Genome position (GRCh38, 1-based): chr21:18,365,243, C>T on the plus strand (G>A on the coding strand, the complement: TMPRSS15 is on the minus strand). VCF-style: chr21-18365243-C-T. GRCh37 (hg19) VCF-style: chr21-19737560-C-T.
Other names: c.670G>A (NM_002772.2); short protein forms V224I.
Identifiers: ClinVar variation 1977925 (VCV001977925.3), dbSNP rs1451679236, ClinGen allele CA409852366.